The following is an entry in ClinVar:

NM_021008.4(DEAF1):c.1627T>G (p.Ser543Ala)

Gene: DEAF1 (DEAF1 transcription factor; minus strand). Cytogenetic location: 11p15.5.
Variant type: single nucleotide variant.
Coding change: c.1627T>G on transcript NM_021008.4 (MANE Select); coding-DNA position 1627, T replaced by G.
Protein change: p.Ser543Ala; replaces serine 543 with alanine.
Molecular consequence: missense variant.
Genome position (GRCh38, 1-based): chr11:644,621, A>C on the plus strand (T>G on the coding strand, the complement: DEAF1 is on the minus strand). VCF-style: chr11-644621-A-C. GRCh37 (hg19) VCF-style: chr11-644621-A-C.
Other names: c.1402T>G, p.Ser468Ala (NM_001293634.2); c.901T>G, p.Ser301Ala (NM_001367390.1); short protein forms S468A, S301A, S543A.
Identifiers: ClinVar variation 2061358 (VCV002061358.4), dbSNP rs748500387, ClinGen allele CA5786103.

ClinVar aggregate classification (germline): Uncertain significance (1 of 4 stars; one submission).

Allele frequency attached by ClinVar (database versions not stated): gnomAD exomes 0.00001; ExAC 0.00002.
gnomAD v4.1: 15 of 1,612,688 alleles (0.00093%); highest among the groups gnomAD compares: African/African-American, 0.0013%; no homozygotes.

Submission:

Labcorp Genetics (formerly Invitae), Labcorp
Classification: Uncertain significance. Last evaluated: 2025-05-01. Review status: criteria provided, single submitter. Criteria: Invitae Variant Classification Sherloc (09022015). Collection method: clinical testing. Allele origin: germline.
Comment: This sequence change replaces serine, which is neutral and polar, with alanine, which is neutral and non-polar, at codon 543 of the DEAF1 protein (p.Ser543Ala). This variant is present in population databases (rs748500387, gnomAD 0.004%). This variant has not been reported in the literature in individuals affected with DEAF1-related conditions. ClinVar contains an entry for this variant (Variation ID: 2061358). Invitae Evidence Modeling of protein sequence and biophysical properties (such as structural, functional, and spatial information, amino acid conservation, physicochemical variation, residue mobility, and thermodynamic stability) indicates that this missense variant is not expected to disrupt DEAF1 protein function with a negative predictive value of 80%. In summary, the available evidence is currently insufficient to determine the role of this variant in disease. Therefore, it has been classified as a Variant of Uncertain Significance.